The following is an entry in ClinVar:

ClinVar aggregate classification (germline): Uncertain significance (1 of 4 stars; one submission).

Conditions:
Intellectual developmental disorder with or without epilepsy or cerebellar ataxia. Identifiers: MedGen C4748041, MONDO:0060745, OMIM 618060.

Allele frequency attached by ClinVar (database versions not stated): gnomAD 0.00002; TOPMed 0.00002.
gnomAD v4.1: 4 of 1,538,026 alleles (0.00026%); highest among the groups gnomAD compares: African/African-American, 0.0028%; no homozygotes.

Submission:

Neuberg Centre For Genomic Medicine, NCGM
Classification: Uncertain significance for Intellectual developmental disorder with or without epilepsy or cerebellar ataxia. Review status: criteria provided, single submitter. Criteria: ACMG Guidelines, 2015. Collection method: clinical testing. Allele origin: germline. Affected: yes.
Comment: The missense variant p.V45M in RORA (NM_134261.3) has not been reported previously as a pathogenic variant nor as a benign variant, to our knowledge. The p.V45M variant is novel (not in any individuals) in gnomAD Exomes and is novel (not in any individuals) in 1000 Genomes. The nucleotide c.133 in RORA is predicted conserved by GERP++ and PhyloP across 100 vertebrates. For these reasons, this variant has been classified as Uncertain Significance

NM_134261.3(RORA):c.133G>A (p.Val45Met)

Gene: RORA (RAR related orphan receptor A; minus strand). Cytogenetic location: 15q22.2.
Variant type: single nucleotide variant.
Coding change: c.133G>A on transcript NM_134261.3 (MANE Select); coding-DNA position 133, G replaced by A.
Protein change: p.Val45Met; replaces valine 45 with methionine.
Molecular consequence: missense variant.
Genome position (GRCh38, 1-based): chr15:61,229,086, C>T on the plus strand (G>A on the coding strand, the complement: RORA is on the minus strand). VCF-style: chr15-61229086-C-T. GRCh37 (hg19) VCF-style: chr15-61521285-C-T.
Other names: short protein forms V45M.
Identifiers: ClinVar variation 1878520 (VCV001878520.1), dbSNP rs1351395580, ClinGen allele CA392802249.